The following is an entry in ClinVar:

NM_001082971.2(DDC):c.1218G>A (p.Leu406=)

Gene: DDC (dopa decarboxylase; minus strand). Cytogenetic location: 7p12.2.
Variant type: single nucleotide variant.
Coding change: c.1218G>A on transcript NM_001082971.2 (MANE Select); coding-DNA position 1218, G replaced by A.
Protein change: p.Leu406=; no amino-acid change (leucine 406 retained).
Molecular consequence: synonymous variant.
Genome position (GRCh38, 1-based): chr7:50,467,238, C>T on the plus strand (G>A on the coding strand, the complement: DDC is on the minus strand). VCF-style: chr7-50467238-C-T. GRCh37 (hg19) VCF-style: chr7-50534936-C-T.
Other names: c.1218G>A, p.Leu406= (NM_000790.4); c.1104G>A, p.Leu368= (NM_001242886.2); c.1074G>A, p.Leu358= (NM_001242887.2); c.984G>A, p.Leu328= (NM_001242888.2); c.939G>A, p.Leu313= (NM_001242889.2).
Identifiers: ClinVar variation 1051670 (VCV001051670.8), dbSNP rs746737558, ClinGen allele CA4262027.

ClinVar aggregate classification (germline): Conflicting classifications of pathogenicity. Review status: criteria provided, conflicting classifications (1 of 4 stars). 2 submissions from 2 submitters: Uncertain significance (1); Likely benign (1). Last evaluated 2023-10-10.

Conditions:
Deficiency of aromatic-L-amino-acid decarboxylase. Also called: Aromatic L-Amino Acid Decarboxylase Deficiency; AADC DEFICIENCY; DDC DEFICIENCY; DOPA DECARBOXYLASE DEFICIENCY; Aromatic amino acid decarboxylase deficiency. Identifiers: Orphanet 35708, MedGen C1291564, MONDO:0012084, OMIM 608643.

Allele frequency attached by ClinVar (database versions not stated): TOPMed below 0.00001; gnomAD 0.00001; gnomAD exomes 0.00001 and 0.00002; ExAC 0.00002.
gnomAD v4.1: 10 of 1,614,014 alleles (0.00062%); highest among the groups gnomAD compares: Non-Finnish European, 0.00085%; no homozygotes.

Submissions (2):

Blueprint Genetics
Classification: Likely benign. Last evaluated: 2023-10-10. Review status: criteria provided, single submitter. Criteria: ACMG Guidelines, 2015. Collection method: clinical testing. Allele origin: germline.

Labcorp Genetics (formerly Invitae), Labcorp
Classification: Uncertain significance for Deficiency of aromatic-L-amino-acid decarboxylase. Last evaluated: 2022-11-08. Review status: criteria provided, single submitter. Criteria: Invitae Variant Classification Sherloc (09022015). Collection method: clinical testing. Allele origin: germline.
Comment: In summary, the available evidence is currently insufficient to determine the role of this variant in disease. Therefore, it has been classified as a Variant of Uncertain Significance. Algorithms developed to predict the effect of sequence changes on RNA splicing suggest that this variant may disrupt the consensus splice site. ClinVar contains an entry for this variant (Variation ID: 1051670). This variant has not been reported in the literature in individuals affected with DDC-related conditions. This variant is present in population databases (rs746737558, gnomAD 0.004%). This sequence change affects codon 406 of the DDC mRNA. It is a 'silent' change, meaning that it does not change the encoded amino acid sequence of the DDC protein.